The following is an entry in ClinVar:

ClinVar aggregate classification (germline): Uncertain significance (1 of 4 stars; one submission).

Conditions:
Evans syndrome, immunodeficiency, and premature immunosenescence associated with tripeptidyl-peptidase II deficiency. Identifiers: MedGen CN231723. Disease mechanism: loss of function.

Submission:

Labcorp Genetics (formerly Invitae), Labcorp
Classification: Uncertain significance for Evans syndrome, immunodeficiency, and premature immunosenescence associated with tripeptidyl-peptidase II deficiency. Last evaluated: 2021-11-09. Review status: criteria provided, single submitter. Criteria: Invitae Variant Classification Sherloc (09022015). Collection method: clinical testing. Allele origin: germline.
Comment: This sequence change replaces aspartic acid, which is acidic and polar, with histidine, which is basic and polar, at codon 747 of the TPP2 protein (p.Asp747His). This variant is not present in population databases (gnomAD no frequency). This variant has not been reported in the literature in individuals affected with TPP2-related conditions. ClinVar contains an entry for this variant (Variation ID: 858951). Algorithms developed to predict the effect of missense changes on protein structure and function are either unavailable or do not agree on the potential impact of this missense change (SIFT: "Deleterious"; PolyPhen-2: "Possibly Damaging"; Align-GVGD: "Class C0"). In summary, the available evidence is currently insufficient to determine the role of this variant in disease. Therefore, it has been classified as a Variant of Uncertain Significance.

NM_001330588.2(TPP2):c.2239G>C (p.Asp747His)

Gene: TPP2 (tripeptidyl peptidase 2; plus strand). Cytogenetic location: 13q33.1.
Variant type: single nucleotide variant.
Coding change: c.2239G>C on transcript NM_001330588.2 (MANE Select); coding-DNA position 2239, G replaced by C.
Protein change: p.Asp747His; replaces aspartic acid 747 with histidine.
Molecular consequence: missense variant. On other transcripts: non-coding transcript variant (1).
Genome position (GRCh38, 1-based): chr13:102,644,620, G>C. VCF-style: chr13-102644620-G-C. GRCh37 (hg19) VCF-style: chr13-103296970-G-C.
Other names: c.2239G>C, p.Asp747His (NM_001367947.1, NM_003291.4); short protein forms D747H.
Identifiers: ClinVar variation 858951 (VCV000858951.5), dbSNP rs1882982854, ClinGen allele CA388496320.